The following is an entry in ClinVar:

ClinVar aggregate classification (germline): Conflicting classifications of pathogenicity. Review status: criteria provided, conflicting classifications (1 of 4 stars). 4 submissions from 4 submitters: Uncertain significance (1); Benign (1); Likely benign (1). 1 of the submissions does not count toward it. Last evaluated 2025-09-03.

Conditions:
Inborn genetic diseases. Identifiers: MedGen C0950123, MeSH D030342.
ARID1A-related disorder. Also called: ARID1A-related condition.

Submissions (4):

Ambry Genetics
Classification: Likely benign for Inborn genetic diseases. Last evaluated: 2025-09-03. Review status: criteria provided, single submitter. Criteria: Ambry Variant Classification Scheme 2023. Collection method: clinical testing. Allele origin: germline.

Labcorp Genetics (formerly Invitae), Labcorp
Classification: Benign. Last evaluated: 2025-06-14. Review status: criteria provided, single submitter. Criteria: Invitae Variant Classification Sherloc (09022015). Collection method: clinical testing. Allele origin: germline.

Genetic Services Laboratory, University of Chicago
Classification: Uncertain significance. Last evaluated: 2015-09-21. Review status: criteria provided, single submitter. Criteria: ACMG Guidelines, 2015. Collection method: clinical testing. Allele origin: germline. Affected: no.

PreventionGenetics, part of Exact Sciences
Classification: Likely benign for ARID1A-related condition. Last evaluated: 2022-08-10. Review status: no assertion criteria provided. Collection method: clinical testing. Allele origin: germline. Not counted in ClinVar's aggregate classification.
Comment: This variant is classified as likely benign based on ACMG/AMP sequence variant interpretation guidelines (Richards et al. 2015 PMID: 25741868, with internal and published modifications).

NM_006015.6(ARID1A):c.249CGG[6] (p.Gly86_Gly87dup)

Gene: ARID1A (AT-rich interaction domain 1A; plus strand). Cytogenetic location: 1p36.11.
Variant type: Microsatellite.
Coding change: c.249CGG[6] on transcript NM_006015.6 (MANE Select); six copies in a row of the 3-base unit CGG starting at c.249; the reference has four copies in a row; two copies, 6 bases duplicated.
Protein change: p.Gly86_Gly87dup.
Molecular consequence: inframe insertion.
Genome position (GRCh38, 1-based): chr1:26,696,658-26,696,663, CGGCGG duplicated; duplicating any 6 consecutive bases within chr1:26,696,650-26,696,663 gives the same sequence; the position shown is the placement nearest the transcript's 3' end. VCF-style (leftmost placement, unchanged base first): chr1-26696649-T-TGGCGGC. GRCh37 (hg19) VCF-style: chr1-27023140-T-TGGCGGC.
Other names: c.249CGG[6], p.Gly86_Gly87dup (NM_139135.4); c.255_260dup6 (NM_006015.4).
Identifiers: ClinVar variation 434330 (VCV000434330.12), dbSNP rs1015322780, ClinGen allele CA19640479.
Genomic context (GRCh38, chr1:26,696,649, plus strand): 5'-CGTGGGGCCGCCGCAGCCGCTGGGAAAGGAGCTGCAGGACGGGGCCGAGAGCAATGGGGG[T>TGGCGGC]GGCGGCGGCGGCGGAGCCGGCAGCGGCGGCGGGCCCGGCGCGGAGCCGGACCTGAAGAAC-3'